The following is an entry in ClinVar:

ClinVar aggregate classification (germline): Uncertain significance (1 of 4 stars; one submission).

Conditions:
Multiple congenital anomalies-hypotonia-seizures syndrome 2 (MCAHS2). Also called: EPILEPTIC ENCEPHALOPATHY, EARLY INFANTILE, 20; GLYCOSYLPHOSPHATIDYLINOSITOL BIOSYNTHESIS DEFECT 4. Identifiers: Orphanet 300496, MedGen C3275508, MONDO:0010466, OMIM 300868.

Submission:

Institute of Human Genetics, University of Leipzig Medical Center
Classification: Uncertain significance for Multiple congenital anomalies-hypotonia-seizures syndrome 2. Last evaluated: 2020-03-01. Review status: criteria provided, single submitter. Criteria: ACMG Guidelines, 2015. Collection method: clinical testing. Allele origin: maternal. Inheritance: X-linked inheritance. Affected: yes.
Comment: Review of the variants reported in Reuter et al., 2017, PMID: 28097321: PM2,PM3_Supporting,PP3

NM_002641.4(PIGA):c.1261G>C (p.Gly421Arg)

Gene: PIGA (phosphatidylinositol glycan anchor biosynthesis class A; minus strand). Cytogenetic location: Xp22.2.
Variant type: single nucleotide variant.
Coding change: c.1261G>C on transcript NM_002641.4 (MANE Select); coding-DNA position 1261, G replaced by C.
Protein change: p.Gly421Arg; replaces glycine 421 with arginine.
Molecular consequence: missense variant. On other transcripts: non-coding transcript variant (2).
Genome position (GRCh38, 1-based): chrX:15,321,700, C>G on the plus strand (G>C on the coding strand, the complement: PIGA is on the minus strand). VCF-style: chrX-15321700-C-G. GRCh37 (hg19) VCF-style: chrX-15339822-C-G.
Other names: c.559G>C, p.Gly187Arg (NM_020473.3); short protein forms G187R, G421R.
Identifiers: ClinVar variation 984696 (VCV000984696.1), dbSNP rs771058274, ClinGen allele CA412334625.